The following is an entry in ClinVar:

ClinVar aggregate classification (germline): Likely benign (0 of 4 stars; one submission).

Conditions:
TSHZ3-related disorder. Also called: TSHZ3-related condition.

Allele frequency attached by ClinVar (database versions not stated): gnomAD 0.00021; ESP Exome Variant Server 0.00031; ExAC 0.00033; 1000 Genomes Project 0.00040; 1000 Genomes Project 30x 0.00047.
gnomAD v4.1: 839 of 1,535,968 alleles (0.055%); highest among the groups gnomAD compares: Non-Finnish European, 0.069%; no homozygotes.

Submission:

PreventionGenetics, part of Exact Sciences
Classification: Likely benign for TSHZ3-related condition. Last evaluated: 2019-07-29. Review status: no assertion criteria provided. Collection method: clinical testing. Allele origin: germline.
Comment: This variant is classified as likely benign based on ACMG/AMP sequence variant interpretation guidelines (Richards et al. 2015 PMID: 25741868, with internal and published modifications).

NM_020856.4(TSHZ3):c.2139G>A (p.Pro713=)

Gene: TSHZ3 (teashirt zinc finger homeobox 3; minus strand). Cytogenetic location: 19q12.
Variant type: single nucleotide variant.
Coding change: c.2139G>A on transcript NM_020856.4 (MANE Select); coding-DNA position 2139, G replaced by A.
Protein change: p.Pro713=; no amino-acid change (proline 713 retained).
Molecular consequence: synonymous variant.
Genome position (GRCh38, 1-based): chr19:31,277,654, C>T on the plus strand (G>A on the coding strand, the complement: TSHZ3 is on the minus strand). VCF-style: chr19-31277654-C-T. GRCh37 (hg19) VCF-style: chr19-31768560-C-T.
Identifiers: ClinVar variation 3034901 (VCV003034901.2), dbSNP rs143383836, ClinGen allele CA9354116.